The following is an entry in ClinVar:

NM_000152.5(GAA):c.679del (p.Asp227fs)

Gene: GAA (alpha glucosidase; plus strand). Cytogenetic location: 17q25.3.
Variant type: Deletion.
Coding change: c.679del on transcript NM_000152.5 (MANE Select); coding-DNA position 679, one base deleted (G; older notation c.679delG).
Protein change: p.Asp227fs; shifts the reading frame from aspartic acid 227.
Molecular consequence: frameshift variant.
Genome position (GRCh38, 1-based): chr17:80,105,881, G deleted; the last of 2 consecutive G bases (chr17:80,105,880-80,105,881); deleting either gives the same sequence. VCF-style (leftmost placement, unchanged base first): chr17-80105879-TG-T. GRCh37 (hg19) VCF-style: chr17-78079678-TG-T.
Other names: c.679del, p.Asp227fs (NM_001079803.3, NM_001079804.3, NM_001406741.1 and 1 more transcripts); short protein forms D227fs.
Identifiers: ClinVar variation 4817595 (VCV004817595.1).
Genomic context (GRCh38, chr17:80,105,879, plus strand): 5'-CCCCACTCTACAGCGTGGAGTTCTCCGAGGAGCCCTTCGGGGTGATCGTGCGCCGGCAGC[TG>T]GACGGCCGCGTGCTGTGAGTTCTGGGCTCTGTGCCAGCATGATGGGGAGGGCGACGCGCA-3'

ClinVar aggregate classification (germline): Likely pathogenic (1 of 4 stars; one submission).

Conditions:
Glycogen storage disease, type II (IOPD). Also called: Glucosidase acid-1,4-alpha deficiency; Pompe Disease; CARDIOMEGALIA GLYCOGENICA DIFFUSA; Glycogen storage disease type 2; Acid maltase deficiency disease; Aglucosidase alfa. Identifiers: Orphanet 365, MedGen C0017921, MONDO:0009290, OMIM 232300.

Submission:

Natera, Inc.
Classification: Likely pathogenic for Glycogen storage disease type II. Last evaluated: 2025-06-06. Review status: criteria provided, single submitter. Criteria: Natera Variant Classification Schema (03/2026). Collection method: clinical testing. Allele origin: germline.
Comment: The c.679del variant in GAA is a frameshift variant predicted to shift the reading frame beginning at codon 227 and leads to a stop codon 6 codons downstream. This variant is expected to result in nonsense mediated decay, truncation, or a dysfunctional protein product. This variant is rare in the general population with a frequency below the threshold expected for the associated phenotype(s). Given the available evidence, this variant is classified as Likely Pathogenic.